The following is an entry in ClinVar:

NM_014271.4(IL1RAPL1):c.845A>G (p.Tyr282Cys)

Gene: IL1RAPL1 (interleukin 1 receptor accessory protein like 1; plus strand). Cytogenetic location: Xp21.2.
Variant type: single nucleotide variant.
Coding change: c.845A>G on transcript NM_014271.4 (MANE Select); coding-DNA position 845, A replaced by G.
Protein change: p.Tyr282Cys; replaces tyrosine 282 with cysteine.
Molecular consequence: missense variant.
Genome position (GRCh38, 1-based): chrX:29,917,530, A>G. VCF-style: chrX-29917530-A-G. GRCh37 (hg19) VCF-style: chrX-29935647-A-G.
Other names: short protein forms Y282C.
Identifiers: ClinVar variation 377086 (VCV000377086.3), dbSNP rs1057520128, ClinGen allele CA16603262.

ClinVar aggregate classification (germline): Uncertain significance (1 of 4 stars; one submission).

Submission:

Center for Pediatric Genomic Medicine, Children's Mercy Hospital and Clinics
Classification: Uncertain significance. Last evaluated: 2016-10-10. Review status: criteria provided, single submitter. Criteria: ACMG Guidelines, 2015. Collection method: clinical testing. Allele origin: germline.
ClinVar note: Converted during submission from Uncertain Significance to Uncertain significance.